The following is an entry in ClinVar:

NM_006269.2(RP1):c.5135A>G (p.Asn1712Ser)

Genes: RP1 (RP1 axonemal microtubule associated; plus strand), LOC126860392 (CDK7 strongly-dependent group 2 enhancer GRCh37_chr8:55541319-55542518; plus strand). Cytogenetic location: 8q12.1.
Variant type: single nucleotide variant.
Coding change: c.5135A>G on transcript NM_006269.2 (MANE Select); coding-DNA position 5135, A replaced by G.
Protein change: p.Asn1712Ser; replaces asparagine 1712 with serine.
Molecular consequence: missense variant. On other transcripts: intron variant (1).
Genome position (GRCh38, 1-based): chr8:54,629,017, A>G. VCF-style: chr8-54629017-A-G. GRCh37 (hg19) VCF-style: chr8-55541577-A-G.
Other names: c.787+6729A>G (NM_001375654.1); short protein forms N1712S.
Identifiers: ClinVar variation 1978317 (VCV001978317.4), dbSNP rs1288259555, ClinGen allele CA370984929.

ClinVar aggregate classification (germline): Uncertain significance (1 of 4 stars; one submission).

Allele frequency attached by ClinVar (database versions not stated): gnomAD exomes below 0.00001.
gnomAD v4.1: 1 of 1,614,090 alleles (0.000062%); highest among the groups gnomAD compares: Admixed American, 0.0017%; no homozygotes.

Submission:

Labcorp Genetics (formerly Invitae), Labcorp
Classification: Uncertain significance. Last evaluated: 2026-01-05. Review status: criteria provided, single submitter. Criteria: Invitae Variant Classification Sherloc (09022015). Collection method: clinical testing. Allele origin: germline.
Comment: This sequence change replaces asparagine, which is neutral and polar, with serine, which is neutral and polar, at codon 1712 of the RP1 protein (p.Asn1712Ser). This variant is present in population databases (no rsID available, gnomAD 0.003%). This variant has not been reported in the literature in individuals affected with RP1-related conditions. ClinVar contains an entry for this variant (Variation ID: 1978317). An algorithm developed to predict the effect of missense changes on protein structure and function outputs the following: PolyPhen-2: "Benign". The serine amino acid residue is found in multiple mammalian species, which suggests that this missense change does not adversely affect protein function. In summary, the available evidence is currently insufficient to determine the role of this variant in disease. Therefore, it has been classified as a Variant of Uncertain Significance.